The following is an entry in ClinVar:

NM_000294.3(PHKG2):c.659G>A (p.Gly220Glu)

Gene: PHKG2 (phosphorylase kinase catalytic subunit gamma 2; plus strand). Cytogenetic location: 16p11.2.
Variant type: single nucleotide variant.
Coding change: c.659G>A on transcript NM_000294.3 (MANE Select); coding-DNA position 659, G replaced by A.
Protein change: p.Gly220Glu; replaces glycine 220 with glutamic acid.
Molecular consequence: missense variant.
Genome position (GRCh38, 1-based): chr16:30,756,378, G>A. VCF-style: chr16-30756378-G-A. GRCh37 (hg19) VCF-style: chr16-30767699-G-A.
Other names: c.659G>A, p.Gly220Glu (NM_001172432.2); short protein forms G220E.
Identifiers: ClinVar variation 4293382 (VCV004293382.1).

ClinVar aggregate classification (germline): Likely pathogenic (1 of 4 stars; one submission).

Conditions:
Glycogen storage disease IXc (GSD9C). Also called: GSD IXc. Identifiers: Orphanet 264580, MedGen C2751643, MONDO:0013091, OMIM 613027.

Submission:

3billion
Classification: Likely pathogenic for Glycogen storage disease IXc. Last evaluated: 2024-06-05. Review status: criteria provided, single submitter. Criteria: ACMG Guidelines, 2015. Collection method: clinical testing. Allele origin: germline. Affected: yes.
Comment: The variant is not observed in the gnomAD v4.0.0 dataset. Predicted Consequence/Location: The majority of the known disease-causing variants of this gene are variants expected to result in premature termination of the protein. In silico tool predictions suggest damaging effect of the variant on gene or gene product [REVEL: 0.96 (>=0.6, sensitivity 0.68 and specificity 0.92); 3Cnet: 0.34 (>=0.6, sensitivity 0.72 and precision 0.9)]. The same nucleotide change resulting in the same amino acid change has been previously reported to be associated with PHKG2 related disorder (PMID: 24326380).The variant has been reported to be in trans with a pathogenic variant as either compound heterozygous or homozygous in at least one similarly affected unrelated individual (PMID: 24326380). The variant has been reported to co-segregate with the disease in at least one similarly affected relative/individual in the same family or similarly affected unrelated family (PMID: 24326380). Therefore, this variant is classified as Likely pathogenic according to the recommendation of ACMG/AMP guideline.

Literature cited by the submitters: PubMed 24326380.